The following is an entry in ClinVar:

NM_000090.4(COL3A1):c.1360A>T (p.Ile454Phe)

Gene: COL3A1 (collagen type III alpha 1 chain; plus strand). Cytogenetic location: 2q32.2.
Variant type: single nucleotide variant.
Coding change: c.1360A>T on transcript NM_000090.4 (MANE Select); coding-DNA position 1360, A replaced by T.
Protein change: p.Ile454Phe; replaces isoleucine 454 with phenylalanine.
Molecular consequence: missense variant.
Genome position (GRCh38, 1-based): chr2:188,994,736, A>T. VCF-style: chr2-188994736-A-T. GRCh37 (hg19) VCF-style: chr2-189859462-A-T.
Other names: short protein forms I454F.
Identifiers: ClinVar variation 3634092 (VCV003634092.2).

ClinVar aggregate classification (germline): Uncertain significance (1 of 4 stars; one submission).

Conditions:
Ehlers-Danlos syndrome, type 4 (EDSVASC). Also called: Ehlers-Danlos syndrome vascular type; Ehlers Danlos syndrome, ecchymotic type; Ehlers Danlos syndrome, arterial type; Ehlers Danlos syndrome, Sack-Barabas type; Ehlers-Danlos Syndrome Type IV. Identifiers: Orphanet 286, MedGen C0268338, MONDO:0017314, OMIM 130050.

Submission:

Labcorp Genetics (formerly Invitae), Labcorp
Classification: Uncertain significance for Ehlers-Danlos syndrome, type 4. Last evaluated: 2024-09-24. Review status: criteria provided, single submitter. Criteria: Invitae Variant Classification Sherloc (09022015). Collection method: clinical testing. Allele origin: germline.
Comment: This sequence change replaces isoleucine, which is neutral and non-polar, with phenylalanine, which is neutral and non-polar, at codon 454 of the COL3A1 protein (p.Ile454Phe). This variant is not present in population databases (gnomAD no frequency). This variant has not been reported in the literature in individuals affected with COL3A1-related conditions. Invitae Evidence Modeling of protein sequence and biophysical properties (such as structural, functional, and spatial information, amino acid conservation, physicochemical variation, residue mobility, and thermodynamic stability) indicates that this missense variant is not expected to disrupt COL3A1 protein function with a negative predictive value of 95%. In summary, the available evidence is currently insufficient to determine the role of this variant in disease. Therefore, it has been classified as a Variant of Uncertain Significance.